The following is an entry in ClinVar:

ClinVar aggregate classification (germline): Conflicting classifications of pathogenicity. Review status: criteria provided, conflicting classifications (1 of 4 stars). 4 submissions from 4 submitters: Likely pathogenic (2); Uncertain significance (2). Last evaluated 2025-03-27.

Conditions:
Thyroid dyshormonogenesis 6 (TDH6). Also called: Genetic transient congenital hypothyroidism; HYPOTHYROIDISM, CONGENITAL, DUE TO DYSHORMONOGENESIS, 6; THYROID HORMONOGENESIS, GENETIC DEFECT IN, 6. Identifiers: Orphanet 226316, Orphanet 95716, MedGen C1846632, MONDO:0011792, OMIM 607200.
DUOX2-related disorder. Also called: DUOX2-related condition.

Allele frequency attached by ClinVar (database versions not stated): gnomAD exomes 0.00003 and 0.00007; gnomAD 0.00004 and 0.00008; TOPMed 0.00005; ExAC 0.00007; 1000 Genomes Project 0.00100; 1000 Genomes Project 30x 0.00109.
gnomAD v4.1: 60 of 1,614,230 alleles (0.0037%); highest among the groups gnomAD compares: East Asian, 0.04%; no homozygotes.

Submissions (4):

PreventionGenetics, part of Exact Sciences
Classification: Likely pathogenic for DUOX2-related condition. Last evaluated: 2025-03-27. Review status: criteria provided, single submitter. Criteria: ACMG Guidelines, 2015. Collection method: clinical testing. Allele origin: germline.
Comment: The DUOX2 c.1295G>A variant is predicted to result in the amino acid substitution p.Arg432His. This variant has been reported in the compound heterozygous state in individuals with thyroid dyshormonogenesis or congenital hypothyroidism (Patient ID 15, Chen et al. 2018. PubMed ID: 30154845; Patient ID 28, Wang et al. 2020. PubMed ID: 32319661). This variant was also identified in another study in individuals with congenital hypothyroidism, however additional details were not provided (Wang et al. 2021. PubMed ID: 33631011). This variant is reported in 0.055% of alleles in individuals of East Asian descent in gnomAD. This variant is interpreted as likely pathogenic.

Labcorp Genetics (formerly Invitae), Labcorp
Classification: Uncertain significance. Last evaluated: 2024-11-25. Review status: criteria provided, single submitter. Criteria: Invitae Variant Classification Sherloc (09022015). Collection method: clinical testing. Allele origin: germline.
Comment: This sequence change replaces arginine, which is basic and polar, with histidine, which is basic and polar, at codon 432 of the DUOX2 protein (p.Arg432His). This variant is present in population databases (rs530736554, gnomAD 0.05%). This missense change has been observed in individual(s) with autosomal recessive thyroid dyshormonogenesis and/or congenital hypothyroidism (PMID: 30154845, 33631011, 34564849). ClinVar contains an entry for this variant (Variation ID: 1370407). Invitae Evidence Modeling of protein sequence and biophysical properties (such as structural, functional, and spatial information, amino acid conservation, physicochemical variation, residue mobility, and thermodynamic stability) indicates that this missense variant is not expected to disrupt DUOX2 protein function with a negative predictive value of 80%. Experimental studies have shown that this missense change affects DUOX2 function (PMID: 34564849). In summary, the available evidence is currently insufficient to determine the role of this variant in disease. Therefore, it has been classified as a Variant of Uncertain Significance.

Fulgent Genetics
Classification: Likely pathogenic for Thyroid dyshormonogenesis 6. Last evaluated: 2024-06-06. Review status: criteria provided, single submitter. Criteria: ACMG Guidelines, 2015. Collection method: clinical testing. Allele origin: germline.

Juno Genomics, Hangzhou Juno Genomics, Inc
Classification: Uncertain significance for Thyroid dyshormonogenesis 6. Review status: criteria provided, single submitter. Criteria: ACMG Guidelines, 2015. Collection method: clinical testing. Allele origin: germline.
Comment: Well-established in vitro or in vivo functional studies supportive of a damaging effect on the gene or gene product.;For recessive disorders, detected in trans with a pathogenic variant.;Patient's phenotype or family history is highly specific for a disease with a single genetic etiology.

Literature cited by the submitters: PubMed 30154845 (cited by Labcorp Genetics (formerly Invitae), Labcorp); PubMed 33631011 (cited by Labcorp Genetics (formerly Invitae), Labcorp); PubMed 34564849 (cited by Labcorp Genetics (formerly Invitae), Labcorp).

NM_001363711.2(DUOX2):c.1295G>A (p.Arg432His)

Gene: DUOX2 (dual oxidase 2; minus strand). Cytogenetic location: 15q21.1.
Variant type: single nucleotide variant.
Coding change: c.1295G>A on transcript NM_001363711.2 (MANE Select); coding-DNA position 1295, G replaced by A.
Protein change: p.Arg432His; replaces arginine 432 with histidine.
Molecular consequence: missense variant.
Genome position (GRCh38, 1-based): chr15:45,108,892, C>T on the plus strand (G>A on the coding strand, the complement: DUOX2 is on the minus strand). VCF-style: chr15-45108892-C-T. GRCh37 (hg19) VCF-style: chr15-45401090-C-T.
Other names: c.1295G>A, p.Arg432His (NM_014080.5); c.1295G>A (NM_014080.4); short protein forms R432H.
Identifiers: ClinVar variation 1370407 (VCV001370407.10), dbSNP rs530736554, ClinGen allele CA7538665.